The following is an entry in ClinVar:

ClinVar aggregate classification (germline): Uncertain significance (1 of 4 stars; one submission).

Allele frequency attached by ClinVar (database versions not stated): gnomAD 0.00001; gnomAD exomes 0.00002; TOPMed 0.00003; ExAC 0.00017.
gnomAD v4.1: 17 of 1,572,056 alleles (0.0011%); highest among the groups gnomAD compares: Admixed American, 0.026%; no homozygotes.

Submission:

Labcorp Genetics (formerly Invitae), Labcorp
Classification: Uncertain significance. Last evaluated: 2022-08-22. Review status: criteria provided, single submitter. Criteria: Invitae Variant Classification Sherloc (09022015). Collection method: clinical testing. Allele origin: germline.
Comment: This sequence change falls in intron 1 of the SRA1 gene. It does not directly change the encoded amino acid sequence of the SRA1 protein. It affects a nucleotide within the consensus splice site. This variant is present in population databases (rs781046195, gnomAD 0.02%). This variant has not been reported in the literature in individuals affected with SRA1-related conditions. Variants that disrupt the consensus splice site are a relatively common cause of aberrant splicing (PMID: 17576681, 9536098). Algorithms developed to predict the effect of sequence changes on RNA splicing suggest that this variant may disrupt the consensus splice site. In summary, the available evidence is currently insufficient to determine the role of this variant in disease. Therefore, it has been classified as a Variant of Uncertain Significance.

Literature cited by the submitters: PubMed 17576681; PubMed 9536098.

NM_001035235.4(SRA1):c.25+3G>C

Gene: SRA1 (steroid receptor RNA activator 1; minus strand). Cytogenetic location: 5q31.3.
Variant type: single nucleotide variant.
Coding change: c.25+3G>C on transcript NM_001035235.4 (MANE Select); 3 bases into the intron after coding-DNA position 25, G replaced by C.
Molecular consequence: intron variant. On other transcripts: missense variant (1), non-coding transcript variant (1).
Genome position (GRCh38, 1-based): chr5:140,557,425, C>G on the plus strand (G>C on the coding strand, the complement: SRA1 is on the minus strand). VCF-style: chr5-140557425-C-G. GRCh37 (hg19) VCF-style: chr5-139937010-C-G.
Other names: c.28G>C, p.Glu10Gln (NM_001253764.2); short protein forms E10Q.
Identifiers: ClinVar variation 2417207 (VCV002417207.6), dbSNP rs781046195, ClinGen allele CA3440810.
Genomic context (GRCh38, chr5:140,557,425, plus strand): 5'-GCAACCGCCCCCAGCCTAGGCCGGGGCGACAACCTAGTGCCCTAGCCCGCCGGCTGCGCT[C>G]ACCCGGCTTCACGTACAGCTCCGCCATCTCCACTTCCGCTTGGCCAGCGGGGCAGCGCGT-3'